The following is an entry in ClinVar:

ClinVar aggregate classification (germline): Uncertain significance (1 of 4 stars; one submission).

Submission:

GeneDx
Classification: Uncertain significance. Last evaluated: 2023-06-04. Review status: criteria provided, single submitter. Criteria: GeneDx Variant Classification Process June 2021. Collection method: clinical testing. Allele origin: germline. Affected: yes.
Comment: Not observed at significant frequency in large population cohorts (gnomAD); In silico analysis supports that this missense variant does not alter protein structure/function; Has not been previously published as pathogenic or benign to our knowledge

NM_001085458.2(CTNND1):c.923C>T (p.Thr308Ile)

Genes: CTNND1 (catenin delta 1; plus strand), TMX2-CTNND1 (TMX2-CTNND1 readthrough (NMD candidate); plus strand). Cytogenetic location: 11q12.1.
Variant type: single nucleotide variant.
Coding change: c.923C>T on transcript NM_001085458.2 (MANE Select); coding-DNA position 923, C replaced by T.
Protein change: p.Thr308Ile; replaces threonine 308 with isoleucine.
Molecular consequence: missense variant. On other transcripts: non-coding transcript variant (1).
Genome position (GRCh38, 1-based): chr11:57,796,959, C>T. VCF-style: chr11-57796959-C-T. GRCh37 (hg19) VCF-style: chr11-57564431-C-T.
Other names: c.923C>T, p.Thr308Ile (NM_001085459.2, NM_001085460.2, NM_001085461.2 and 3 more transcripts); c.620C>T, p.Thr207Ile (NM_001085463.2, NM_001085464.2, NM_001085465.2 and 5 more transcripts); c.761C>T, p.Thr254Ile (NM_001206883.2, NM_001206884.2, NM_001206886.2 and 4 more transcripts); short protein forms T207I, T254I, T308I.
Identifiers: ClinVar variation 3359507 (VCV003359507.1).